The following is an entry in ClinVar:

NM_003060.4(SLC22A5):c.798G>A (p.Pro266=)

Gene: SLC22A5 (solute carrier family 22 member 5; plus strand). Cytogenetic location: 5q31.1.
Variant type: single nucleotide variant.
Coding change: c.798G>A on transcript NM_003060.4 (MANE Select); coding-DNA position 798, G replaced by A.
Protein change: p.Pro266=; no amino-acid change (proline 266 retained).
Molecular consequence: synonymous variant.
Genome position (GRCh38, 1-based): chr5:132,385,473, G>A. VCF-style: chr5-132385473-G-A. GRCh37 (hg19) VCF-style: chr5-131721165-G-A.
Other names: c.870G>A, p.Pro290= (NM_001308122.2).
Identifiers: ClinVar variation 378584 (VCV000378584.17), dbSNP rs143758508, ClinGen allele CA3403974.

ClinVar aggregate classification (germline): Likely benign. Review status: criteria provided, multiple submitters, no conflicts (2 of 4 stars). 4 submissions from 4 submitters: Likely benign (4). Last evaluated 2026-01-25.

Conditions:
SLC22A5-related disorder. Also called: SLC22A5-related condition.
Renal carnitine transport defect (CDSP). Also called: CARNITINE DEFICIENCY, SYSTEMIC, DUE TO DEFECT IN RENAL REABSORPTION OF CARNITINE; CARNITINE TRANSPORTER, PLASMA-MEMBRANE, DEFICIENCY OF; CARNITINE UPTAKE DEFECT; Primary carnitine deficiency; Systemic primary carnitine deficiency; Carnitine transporter deficiency. Identifiers: Orphanet 158, MedGen C0342788, MONDO:0008919, OMIM 212140.

Allele frequency attached by ClinVar (database versions not stated): TOPMed 0.00024; ESP Exome Variant Server 0.00038; gnomAD exomes 0.00002 and 0.00010; ExAC 0.00013; gnomAD 0.00019 and 0.00022.
gnomAD v4.1: 64 of 1,614,030 alleles (0.004%); highest among the groups gnomAD compares: African/African-American, 0.061%; no homozygotes.

Submissions (4):

Labcorp Genetics (formerly Invitae), Labcorp
Classification: Likely benign for Renal carnitine transport defect. Last evaluated: 2026-01-25. Review status: criteria provided, single submitter. Criteria: Invitae Variant Classification Sherloc (09022015). Collection method: clinical testing. Allele origin: germline.

PreventionGenetics, part of Exact Sciences
Classification: Likely benign for SLC22A5-related condition. Last evaluated: 2025-04-04. Review status: criteria provided, single submitter. Criteria: ACMG Guidelines, 2015. Collection method: clinical testing. Allele origin: germline.
Comment: This variant is classified as likely benign based on ACMG/AMP sequence variant interpretation guidelines (Richards et al. 2015 PMID: 25741868, with internal and published modifications).

Blueprint Genetics
Classification: Likely benign. Last evaluated: 2022-02-07. Review status: criteria provided, single submitter. Criteria: ACMG Guidelines, 2015. Collection method: clinical testing. Allele origin: germline.

GeneDx
Classification: Likely benign. Last evaluated: 2018-05-18. Review status: criteria provided, single submitter. Criteria: GeneDx Variant Classification Process June 2021. Collection method: clinical testing. Allele origin: germline. Affected: yes.